The following is an entry in ClinVar:

ClinVar aggregate classification (germline): Uncertain significance (1 of 4 stars; one submission).

Submission:

Labcorp Genetics (formerly Invitae), Labcorp
Classification: Uncertain significance. Last evaluated: 2023-09-22. Review status: criteria provided, single submitter. Criteria: Invitae Variant Classification Sherloc (09022015). Collection method: clinical testing. Allele origin: germline.
Comment: In summary, the available evidence is currently insufficient to determine the role of this variant in disease. Therefore, it has been classified as a Variant of Uncertain Significance. An algorithm developed to predict the effect of missense changes on protein structure and function (PolyPhen-2) suggests that this variant is likely to be tolerated. This variant has not been reported in the literature in individuals affected with ADAMTS10-related conditions. This variant is not present in population databases (gnomAD no frequency). This sequence change replaces histidine, which is basic and polar, with aspartic acid, which is acidic and polar, at codon 189 of the ADAMTS10 protein (p.His189Asp).

NM_030957.4(ADAMTS10):c.565C>G (p.His189Asp)

Gene: ADAMTS10 (ADAM metallopeptidase with thrombospondin type 1 motif 10; minus strand). Cytogenetic location: 19p13.2.
Variant type: single nucleotide variant.
Coding change: c.565C>G on transcript NM_030957.4 (MANE Select); coding-DNA position 565, C replaced by G.
Protein change: p.His189Asp; replaces histidine 189 with aspartic acid.
Molecular consequence: missense variant.
Genome position (GRCh38, 1-based): chr19:8,603,755, G>C on the plus strand (C>G on the coding strand, the complement: ADAMTS10 is on the minus strand). VCF-style: chr19-8603755-G-C. GRCh37 (hg19) VCF-style: chr19-8668639-G-C.
Other names: short protein forms H189D.
Identifiers: ClinVar variation 2762579 (VCV002762579.3), dbSNP rs2512648053, ClinGen allele CA403756965.